The following is an entry in ClinVar:

ClinVar aggregate classification (germline): Likely benign. Review status: criteria provided, multiple submitters, no conflicts (2 of 4 stars). 8 submissions from 8 submitters: Likely benign (7). 1 of the submissions does not count toward it. Last evaluated 2026-04-09.

Conditions:
Hereditary cancer-predisposing syndrome. Also called: Tumor predisposition; Neoplastic Syndromes, Hereditary; Hereditary Cancer Syndrome; Hereditary neoplastic syndrome. Identifiers: Orphanet 140162, MedGen C0027672, MeSH D009386, MONDO:0015356.
Melanoma-pancreatic cancer syndrome. Identifiers: Orphanet 404560, MedGen C1838547, MONDO:0011713, OMIM 606719. Disease mechanism: loss of function.
Familial melanoma. Also called: Hereditary melanoma; Hereditary cutaneous melanoma. Identifiers: Orphanet 618, MedGen C1512419, MONDO:0018961.

Allele frequency attached by ClinVar (database versions not stated): TOPMed 0.00003.
gnomAD v4.1: 15 of 1,610,076 alleles (0.00093%); highest among the groups gnomAD compares: Admixed American, 0.013%; no homozygotes.

Submissions (8):

Women's Health and Genetics/Laboratory Corporation of America, LabCorp
Classification: Likely benign. Last evaluated: 2026-04-09. Review status: criteria provided, single submitter. Criteria: LabCorp Variant Classification Summary - May 2015. Collection method: clinical testing. Allele origin: germline.

Labcorp Genetics (formerly Invitae), Labcorp
Classification: Likely benign for Familial melanoma. Last evaluated: 2025-12-24. Review status: criteria provided, single submitter. Criteria: Invitae Variant Classification Sherloc (09022015). Collection method: clinical testing. Allele origin: germline.

Ambry Genetics
Classification: Likely benign for Hereditary cancer-predisposing syndrome. Last evaluated: 2024-08-26. Review status: criteria provided, single submitter. Criteria: Ambry Variant Classification Scheme 2023. Collection method: clinical testing. Allele origin: germline.

Quest Diagnostics Nichols Institute San Juan Capistrano
Classification: Likely benign. Last evaluated: 2022-09-29. Review status: criteria provided, single submitter. Criteria: Quest Diagnostics criteria. Collection method: clinical testing. Allele origin: unknown.

GeneDx
Classification: Likely benign. Last evaluated: 2020-12-17. Review status: criteria provided, single submitter. Criteria: GeneDx Variant Classification Process June 2021. Collection method: clinical testing. Allele origin: germline. Affected: yes.
Comment: This variant is associated with the following publications: (PMID: 25780468, 25064638)

Mendelics
Classification: Likely benign for Melanoma-pancreatic cancer syndrome. Last evaluated: 2019-05-28. Review status: criteria provided, single submitter. Criteria: Mendelics Assertion Criteria 2017. Collection method: clinical testing. Allele origin: unknown.

Color Diagnostics, LLC DBA Color Health
Classification: Likely benign for Hereditary cancer-predisposing syndrome. Last evaluated: 2018-06-13. Review status: criteria provided, single submitter. Criteria: ACMG Guidelines, 2015. Collection method: clinical testing. Allele origin: germline.

True Health Diagnostics
Classification: Likely benign for Hereditary cancer-predisposing syndrome. Last evaluated: 2017-08-28. Review status: no assertion criteria provided. Collection method: clinical testing. Allele origin: germline. Not counted in ClinVar's aggregate classification.

Literature cited by the submitters: PubMed 27756164 (cited by Women's Health and Genetics/Laboratory Corporation of America, LabCorp); PubMed 27960642 (cited by Women's Health and Genetics/Laboratory Corporation of America, LabCorp); PubMed 28765326 (cited by Women's Health and Genetics/Laboratory Corporation of America, LabCorp); PubMed 9166859 (cited by Women's Health and Genetics/Laboratory Corporation of America, LabCorp); PubMed 16818274 (cited by Women's Health and Genetics/Laboratory Corporation of America, LabCorp); PubMed 18519632 (cited by Women's Health and Genetics/Laboratory Corporation of America, LabCorp); PubMed 7718873 (cited by Women's Health and Genetics/Laboratory Corporation of America, LabCorp); PubMed 25064638 (cited by Quest Diagnostics Nichols Institute San Juan Capistrano); PubMed 25780468 (cited by Quest Diagnostics Nichols Institute San Juan Capistrano).

NM_000077.5(CDKN2A):c.369T>C (p.His123=)

Gene: CDKN2A (cyclin dependent kinase inhibitor 2A; minus strand). Cytogenetic location: 9p21.3.
Variant type: single nucleotide variant.
Coding change: c.369T>C on transcript NM_000077.5; coding-DNA position 369, T replaced by C.
Protein change: p.His123=; no amino-acid change (histidine 123 retained).
Molecular consequence: synonymous variant (on NM_000077.6). On other transcripts: 3 prime UTR variant (2).
Genome position (GRCh38, 1-based): chr9:21,970,990, A>G on the plus strand (T>C on the coding strand, the complement: CDKN2A is on the minus strand). VCF-style: chr9-21970990-A-G. GRCh37 (hg19) VCF-style: chr9-21970989-A-G.
Other names: c.369T>C, p.His123= (NM_000077.6, NM_001195132.2); c.216T>C, p.His72= (NM_001363763.2); c.*13T>C (NM_058195.4); c.*292T>C (NM_058197.5).
Identifiers: ClinVar variation 220829 (VCV000220829.25), dbSNP rs6413463, ClinGen allele CA349640.
Genomic context (GRCh38, chr9:21,970,990, plus strand): 5'-GGCATGGTTACTGCCTCTGGTGCCCCCCGCAGCCGCGCGCAGGTACCGTGCGACATCGCG[A>G]TGGCCCAGCTCCTCAGCCAGGTCCACGGGCAGACGGCCCCAGGCATCGCGCACGTCCAGC-3'
Protein context (NP_000068.1, residues 113-133): LPVDLAEELG[His123=]RDVARYLRAA